The following is an entry in ClinVar:

NM_001035.3(RYR2):c.3118G>A (p.Asp1040Asn)

Gene: RYR2 (ryanodine receptor 2; plus strand). Cytogenetic location: 1q43.
Variant type: single nucleotide variant.
Coding change: c.3118G>A on transcript NM_001035.3 (MANE Select); coding-DNA position 3118, G replaced by A.
Protein change: p.Asp1040Asn; replaces aspartic acid 1040 with asparagine.
Molecular consequence: missense variant.
Genome position (GRCh38, 1-based): chr1:237,550,595, G>A. VCF-style: chr1-237550595-G-A. GRCh37 (hg19) VCF-style: chr1-237713895-G-A.
Other names: short protein forms D1040N.
Identifiers: ClinVar variation 4758731 (VCV004758731.1).

ClinVar aggregate classification (germline): Uncertain significance (1 of 4 stars; one submission).

Conditions:
Cardiomyopathy (CMYO). Also called: Cardiomyopathies. Identifiers: Orphanet 167848, MedGen C0878544, MONDO:0004994, HP:0001638. Inheritance: Various modes of inheritance.

Submission:

Color Diagnostics, LLC DBA Color Health
Classification: Uncertain significance for Cardiomyopathy. Last evaluated: 2025-05-30. Review status: criteria provided, single submitter. Criteria: ACMG Guidelines, 2015. Collection method: clinical testing. Allele origin: germline.
Comment: This missense variant replaces aspartic acid with asparagine at codon 1040 of the RYR2 protein. Computational prediction is inconclusive regarding the impact of this variant on protein structure and function. To our knowledge, functional studies have not been reported for this variant. This variant has not been reported in individuals affected with RYR2-related disorders in the literature. This variant has not been identified in the general population by the Genome Aggregation Database (gnomAD). The available evidence is insufficient to determine the role of this variant in disease conclusively. Therefore, this variant is classified as a Variant of Uncertain Significance.